The following is an entry in ClinVar:

NM_001369.3(DNAH5):c.10222del (p.Ser3408fs)

Gene: DNAH5 (dynein axonemal heavy chain 5; minus strand). Cytogenetic location: 5p15.2.
Variant type: Deletion.
Coding change: c.10222del on transcript NM_001369.3 (MANE Select); coding-DNA position 10222, one base deleted (T; older notation c.10222delT).
Protein change: p.Ser3408fs; shifts the reading frame from serine 3408.
Molecular consequence: frameshift variant.
Genome position (GRCh38, 1-based): chr5:13,762,781, A deleted on the plus strand (T on the coding strand, the reverse complement: DNAH5 is on the minus strand); the first of 2 consecutive A bases (chr5:13,762,781-13,762,782); deleting either gives the same sequence. VCF-style (leftmost placement, unchanged base first): chr5-13762780-GA-G. GRCh37 (hg19) VCF-style: chr5-13762889-GA-G.
Other names: short protein forms S3408fs.
Identifiers: ClinVar variation 2832443 (VCV002832443.3), dbSNP rs2546640593, ClinGen allele CA2739274605.

ClinVar aggregate classification (germline): Pathogenic (1 of 4 stars; one submission).

Conditions:
Primary ciliary dyskinesia. Also called: Ciliary dyskinesia. Identifiers: Orphanet 244, MedGen C0008780, MONDO:0016575, HP:0012265.

Submission:

Labcorp Genetics (formerly Invitae), Labcorp
Classification: Pathogenic for Primary ciliary dyskinesia. Last evaluated: 2023-01-28. Review status: criteria provided, single submitter. Criteria: Invitae Variant Classification Sherloc (09022015). Collection method: clinical testing. Allele origin: germline.
Comment: For these reasons, this variant has been classified as Pathogenic. This variant has not been reported in the literature in individuals affected with DNAH5-related conditions. This variant is not present in population databases (gnomAD no frequency). This sequence change creates a premature translational stop signal (p.Ser3408Profs*12) in the DNAH5 gene. It is expected to result in an absent or disrupted protein product. Loss-of-function variants in DNAH5 are known to be pathogenic (PMID: 11788826, 16627867).

Literature cited by the submitters: PubMed 11788826; PubMed 16627867.